The following is an entry in ClinVar:

ClinVar aggregate classification (germline): Uncertain significance. Review status: criteria provided, multiple submitters, no conflicts (2 of 4 stars). 3 submissions from 3 submitters: Uncertain significance (3). Last evaluated 2023-11-06.

Conditions:
Prostate cancer, hereditary, 9 (HPC9). Identifiers: Orphanet 1331, MedGen C1970250, MONDO:0012597, OMIM 610997.
Hereditary cancer-predisposing syndrome. Also called: Tumor predisposition; Hereditary Cancer Syndrome; Hereditary neoplastic syndrome; Neoplastic Syndromes, Hereditary. Identifiers: Orphanet 140162, MedGen C0027672, MeSH D009386, MONDO:0015356.

Submissions (3):

Department of Pathology and Laboratory Medicine, Sinai Health System
Classification: Uncertain significance for Prostate cancer, hereditary, 9. Last evaluated: 2023-11-06. Review status: criteria provided, single submitter. Criteria: ACMG Guidelines, 2015. Collection method: clinical testing. Allele origin: germline. Affected: yes.

Ambry Genetics
Classification: Uncertain significance for Hereditary cancer-predisposing syndrome. Last evaluated: 2023-03-22. Review status: criteria provided, single submitter. Criteria: Ambry Variant Classification Scheme 2023. Collection method: clinical testing. Allele origin: germline.
Comment: The p.C100F variant (also known as c.299G>T), located in coding exon 1 of the HOXB13 gene, results from a G to T substitution at nucleotide position 299. The cysteine at codon 100 is replaced by phenylalanine, an amino acid with highly dissimilar properties. This amino acid position is highly conserved in available vertebrate species. In addition, the in silico prediction for this alteration is inconclusive. Since supporting evidence is limited at this time, the clinical significance of this alteration remains unclear.

Labcorp Genetics (formerly Invitae), Labcorp
Classification: Uncertain significance. Last evaluated: 2021-09-16. Review status: criteria provided, single submitter. Criteria: Invitae Variant Classification Sherloc (09022015). Collection method: clinical testing. Allele origin: germline.
Comment: This variant has not been reported in the literature in individuals affected with HOXB13-related conditions. This variant is not present in population databases (ExAC no frequency). This sequence change replaces cysteine with phenylalanine at codon 100 of the HOXB13 protein (p.Cys100Phe). The cysteine residue is moderately conserved and there is a large physicochemical difference between cysteine and phenylalanine. ClinVar contains an entry for this variant (Variation ID: 485698). In summary, the available evidence is currently insufficient to determine the role of this variant in disease. Therefore, it has been classified as a Variant of Uncertain Significance. Algorithms developed to predict the effect of missense changes on protein structure and function are either unavailable or do not agree on the potential impact of this missense change (SIFT: "Deleterious"; PolyPhen-2: "Benign"; Align-GVGD: "Class C0").

NM_006361.6(HOXB13):c.299G>T (p.Cys100Phe)

Gene: HOXB13 (homeobox B13; minus strand). Cytogenetic location: 17q21.32.
Variant type: single nucleotide variant.
Coding change: c.299G>T on transcript NM_006361.6 (MANE Select); coding-DNA position 299, G replaced by T.
Protein change: p.Cys100Phe; replaces cysteine 100 with phenylalanine.
Molecular consequence: missense variant.
Genome position (GRCh38, 1-based): chr17:48,728,295, C>A on the plus strand (G>T on the coding strand, the complement: HOXB13 is on the minus strand). VCF-style: chr17-48728295-C-A. GRCh37 (hg19) VCF-style: chr17-46805657-C-A.
Other names: short protein forms C100F.
Identifiers: ClinVar variation 485698 (VCV000485698.14), dbSNP rs1555558641, ClinGen allele CA400107739.